The following is an entry in ClinVar:

ClinVar aggregate classification (germline): Uncertain significance (1 of 4 stars; one submission).

gnomAD v4.1: 1 of 1,601,736 alleles (0.000062%); no homozygotes.

Submission:

Labcorp Genetics (formerly Invitae), Labcorp
Classification: Uncertain significance. Last evaluated: 2024-11-14. Review status: criteria provided, single submitter. Criteria: Invitae Variant Classification Sherloc (09022015). Collection method: clinical testing. Allele origin: germline.
Comment: This sequence change affects codon 237 of the KDM1A mRNA. It is a 'silent' change, meaning that it does not change the encoded amino acid sequence of the KDM1A protein. It affects a nucleotide within the consensus splice site. This variant is not present in population databases (gnomAD no frequency). This variant has not been reported in the literature in individuals affected with KDM1A-related conditions. Algorithms developed to predict the effect of sequence changes on RNA splicing suggest that this variant is not likely to affect RNA splicing. In summary, the available evidence is currently insufficient to determine the role of this variant in disease. Therefore, it has been classified as a Variant of Uncertain Significance.

NM_001009999.3(KDM1A):c.711A>T (p.Thr237=)

Gene: KDM1A (lysine demethylase 1A; plus strand). Cytogenetic location: 1p36.12.
Variant type: single nucleotide variant.
Coding change: c.711A>T on transcript NM_001009999.3 (MANE Select); coding-DNA position 711, A replaced by T.
Protein change: p.Thr237=; no amino-acid change (threonine 237 retained).
Molecular consequence: synonymous variant.
Genome position (GRCh38, 1-based): chr1:23,050,520, A>T. VCF-style: chr1-23050520-A-T. GRCh37 (hg19) VCF-style: chr1-23377013-A-T.
Other names: c.651A>T, p.Thr217= (NM_001363654.2, NM_001410763.1, NM_015013.4); c.711A>T, p.Thr237= (NM_001410762.1).
Identifiers: ClinVar variation 3675674 (VCV003675674.2).